The following is an entry in ClinVar:

NM_017780.4(CHD7):c.5210+5G>C

Gene: CHD7 (chromodomain helicase DNA binding protein 7; plus strand). Cytogenetic location: 8q12.2.
Variant type: single nucleotide variant.
Coding change: c.5210+5G>C on transcript NM_017780.4 (MANE Select); 5 bases into the intron after coding-DNA position 5210, G replaced by C.
Molecular consequence: intron variant.
Genome position (GRCh38, 1-based): chr8:60,845,414, G>C. VCF-style: chr8-60845414-G-C. GRCh37 (hg19) VCF-style: chr8-61757973-G-C.
Other names: c.1717-16815G>C (NM_001316690.1).
Identifiers: ClinVar variation 1722936 (VCV001722936.3), dbSNP rs2487976511, ClinGen allele CA2580078466.

ClinVar aggregate classification (germline): Conflicting classifications of pathogenicity. Review status: criteria provided, conflicting classifications (1 of 4 stars). 2 submissions from 2 submitters: Likely pathogenic (1); Uncertain significance (1). Last evaluated 2023-02-23.

Conditions:
CHARGE syndrome (CHARGE). Also called: Hittner Hirsch Kreh syndrome; CHARGE ASSOCIATION--COLOBOMA, HEART ANOMALY, CHOANAL ATRESIA, RETARDATION, GENITAL AND EAR ANOMALIES; Coloboma, heart anomaly, choanal atresia, retardation, genital and ear anomalies; CHARGE association; Hall-Hittner syndrome. Identifiers: Orphanet 138, MedGen C0265354, MONDO:0008965.

Submissions (2):

3billion
Classification: Uncertain significance for CHD7-related CHARGE syndrome. Last evaluated: 2023-02-23. Review status: criteria provided, single submitter. Criteria: ACMG Guidelines, 2015. Collection method: clinical testing. Allele origin: unknown. Affected: yes.
Comment: The variant is not observed in the gnomAD v2.1.1 dataset. Splice variant was predicted to result in premature protein truncation by alternate splicing. In silico tools predict the variant to alter splicing and produce an abnormal transcript (SpliceAI: 0.64). Therefore, this variant is classified as VUS according to the recommendation of ACMG/AMP guideline.

GeneDx
Classification: Likely pathogenic. Last evaluated: 2022-11-02. Review status: criteria provided, single submitter. Criteria: GeneDx Variant Classification Process June 2021. Collection method: clinical testing. Allele origin: germline. Affected: yes.
Comment: Published functional studies demonstrate a damaging effect on splicing (Song et al., 2011); Intronic +5 splice site variant in a gene for which loss of function is a known mechanism of disease, and splice predictors support a deleterious effect; Not observed at significant frequency in large population cohorts (gnomAD); This variant is associated with the following publications: (PMID: 21931733)